The following is an entry in ClinVar:

NM_013266.4(CTNNA3):c.974G>A (p.Arg325Gln)

Gene: CTNNA3 (catenin alpha 3; minus strand). Cytogenetic location: 10q21.3.
Variant type: single nucleotide variant.
Coding change: c.974G>A on transcript NM_013266.4 (MANE Select); coding-DNA position 974, G replaced by A.
Protein change: p.Arg325Gln; replaces arginine 325 with glutamine.
Molecular consequence: missense variant.
Genome position (GRCh38, 1-based): chr10:67,180,390, C>T on the plus strand (G>A on the coding strand, the complement: CTNNA3 is on the minus strand). VCF-style: chr10-67180390-C-T. GRCh37 (hg19) VCF-style: chr10-68940148-C-T.
Other names: c.974G>A, p.Arg325Gln (NM_001127384.3); c.1010G>A, p.Arg337Gln (NM_001291133.2); short protein forms R325Q, R337Q.
Identifiers: ClinVar variation 577166 (VCV000577166.11), dbSNP rs773609785, ClinGen allele CA5520439.

ClinVar aggregate classification (germline): Uncertain significance. Review status: criteria provided, multiple submitters, no conflicts (2 of 4 stars). 2 submissions from 2 submitters: Uncertain significance (2). Last evaluated 2026-01-04.

Conditions:
Arrhythmogenic right ventricular dysplasia 13. Also called: ARRHYTHMOGENIC RIGHT VENTRICULAR CARDIOMYOPATHY 13; Arrhythmogenic right ventricular dysplasia, familial, 13. Identifiers: MedGen C3810138, MONDO:0000908, OMIM 615616.

Allele frequency attached by ClinVar (database versions not stated): gnomAD 0.00001 and 0.00002; TOPMed 0.00002; ExAC 0.00003; gnomAD exomes 0.00003.
gnomAD v4.1: 42 of 1,613,678 alleles (0.0026%); highest among the groups gnomAD compares: Middle Eastern, 0.066%; no homozygotes.

Submissions (2):

Labcorp Genetics (formerly Invitae), Labcorp
Classification: Uncertain significance for Arrhythmogenic right ventricular dysplasia 13. Last evaluated: 2026-01-04. Review status: criteria provided, single submitter. Criteria: Invitae Variant Classification Sherloc (09022015). Collection method: clinical testing. Allele origin: germline.
Comment: This sequence change replaces arginine, which is basic and polar, with glutamine, which is neutral and polar, at codon 325 of the CTNNA3 protein (p.Arg325Gln). This variant is present in population databases (rs773609785, gnomAD 0.02%). This variant has not been reported in the literature in individuals affected with CTNNA3-related conditions. ClinVar contains an entry for this variant (Variation ID: 577166). Invitae Evidence Modeling of protein sequence and biophysical properties (such as structural, functional, and spatial information, amino acid conservation, physicochemical variation, residue mobility, and thermodynamic stability) indicates that this missense variant is not expected to disrupt CTNNA3 protein function with a negative predictive value of 80%. In summary, the available evidence is currently insufficient to determine the role of this variant in disease. Therefore, it has been classified as a Variant of Uncertain Significance.

Ambry Genetics
Classification: Uncertain significance. Last evaluated: 2025-02-25. Review status: criteria provided, single submitter. Criteria: Ambry Variant Classification Scheme 2023. Collection method: clinical testing. Allele origin: germline.